The following is an entry in ClinVar:

NM_139057.4(ADAMTS17):c.1041C>G (p.Phe347Leu)

Gene: ADAMTS17 (ADAM metallopeptidase with thrombospondin type 1 motif 17; minus strand). Cytogenetic location: 15q26.3.
Variant type: single nucleotide variant.
Coding change: c.1041C>G on transcript NM_139057.4 (MANE Select); coding-DNA position 1041, C replaced by G.
Protein change: p.Phe347Leu; replaces phenylalanine 347 with leucine.
Molecular consequence: missense variant.
Genome position (GRCh38, 1-based): chr15:100,254,170, G>C on the plus strand (C>G on the coding strand, the complement: ADAMTS17 is on the minus strand). VCF-style: chr15-100254170-G-C. GRCh37 (hg19) VCF-style: chr15-100794375-G-C.
Other names: short protein forms F347L.
Identifiers: ClinVar variation 1957286 (VCV001957286.5), dbSNP rs776895204, ClinGen allele CA393937630.

ClinVar aggregate classification (germline): Uncertain significance (1 of 4 stars; one submission).

Allele frequency attached by ClinVar (database versions not stated): 1000 Genomes Project 30x 0.00016.
gnomAD v4.1: 3 of 1,613,330 alleles (0.00019%); highest among the groups gnomAD compares: African/African-American, 0.0013%; no homozygotes.

Submission:

Labcorp Genetics (formerly Invitae), Labcorp
Classification: Uncertain significance. Last evaluated: 2022-05-08. Review status: criteria provided, single submitter. Criteria: Invitae Variant Classification Sherloc (09022015). Collection method: clinical testing. Allele origin: germline.
Comment: In summary, the available evidence is currently insufficient to determine the role of this variant in disease. Therefore, it has been classified as a Variant of Uncertain Significance. Algorithms developed to predict the effect of missense changes on protein structure and function are either unavailable or do not agree on the potential impact of this missense change (SIFT: "Not Available"; PolyPhen-2: "Probably Damaging"; Align-GVGD: "Not Available"). This variant has not been reported in the literature in individuals affected with ADAMTS17-related conditions. This variant is present in population databases (no rsID available, gnomAD 0.0009%). This sequence change replaces phenylalanine, which is neutral and non-polar, with leucine, which is neutral and non-polar, at codon 347 of the ADAMTS17 protein (p.Phe347Leu).